The following is an entry in ClinVar:

ClinVar aggregate classification (germline): Uncertain significance. Review status: criteria provided, multiple submitters, no conflicts (2 of 4 stars). 2 submissions from 2 submitters: Uncertain significance (2). Last evaluated 2022-02-17.

Conditions:
Fanconi anemia (FA). Also called: Fanconi's anemia. Identifiers: Orphanet 84, MedGen C0015625, MeSH D005199, MONDO:0019391.

Submissions (2):

Women's Health and Genetics/Laboratory Corporation of America, LabCorp
Classification: Uncertain significance. Last evaluated: 2022-02-17. Review status: criteria provided, single submitter. Criteria: LabCorp Variant Classification Summary - May 2015. Collection method: clinical testing. Allele origin: germline.

Sema4
Classification: Uncertain significance for Fanconi anemia. Last evaluated: 2021-06-23. Review status: criteria provided, single submitter. Criteria: Sema4 Curation Guidelines. Collection method: curation. Allele origin: germline.
Comment: The FANCE c.86T>A (p.L29Q) variant has not been reported in the literature to our knowledge. It was not observed in the large and broad cohorts of the Genome Aggregation Database (PMID: 32461654). The variant has not been reported in ClinVar. In silico tools suggest the impact of the variant on protein function is inconclusive, though these predictions have not been confirmed by functional studies. The evidence is insufficient to meet ACMG/AMP criteria for classifying the variant as benign or pathogenic. Thus, the clinical significance of this variant is currently uncertain.

NM_021922.3(FANCE):c.86T>A (p.Leu29Gln)

Genes: FANCE (FA complementation group E; plus strand), LOC129996245 (ATAC-STARR-seq lymphoblastoid silent region 17092; plus strand). Cytogenetic location: 6p21.31.
Variant type: single nucleotide variant.
Coding change: c.86T>A on transcript NM_021922.3 (MANE Select); coding-DNA position 86, T replaced by A.
Protein change: p.Leu29Gln; replaces leucine 29 with glutamine.
Molecular consequence: missense variant.
Genome position (GRCh38, 1-based): chr6:35,452,631, T>A. VCF-style: chr6-35452631-T-A. GRCh37 (hg19) VCF-style: chr6-35420408-T-A.
Other names: short protein forms L29Q.
Identifiers: ClinVar variation 1343699 (VCV001343699.2), dbSNP rs2150885592, ClinGen allele CA363770066.